The following is an entry in ClinVar:

ClinVar aggregate classification (germline): Uncertain significance. Review status: criteria provided, multiple submitters, no conflicts (2 of 4 stars). 2 submissions from 2 submitters: Uncertain significance (2). Last evaluated 2024-04-12.

Conditions:
Hereditary diffuse gastric adenocarcinoma (HDGC). Also called: DIFFUSE GASTRIC AND LOBULAR BREAST CANCER SYNDROME. Identifiers: Orphanet 26106, MedGen C1708349, MONDO:0007648, OMIM 137215.

Submissions (2):

Labcorp Genetics (formerly Invitae), Labcorp
Classification: Uncertain significance for Hereditary diffuse gastric adenocarcinoma. Last evaluated: 2024-04-12. Review status: criteria provided, single submitter. Criteria: Invitae Variant Classification Sherloc (09022015). Collection method: clinical testing. Allele origin: germline.
Comment: This sequence change replaces aspartic acid, which is acidic and polar, with asparagine, which is neutral and polar, at codon 288 of the CDH1 protein (p.Asp288Asn). This variant is not present in population databases (gnomAD no frequency). This variant has not been reported in the literature in individuals affected with CDH1-related conditions. An algorithm developed to predict the effect of missense changes on protein structure and function (PolyPhen-2) suggests that this variant is likely to be disruptive. In summary, the available evidence is currently insufficient to determine the role of this variant in disease. Therefore, it has been classified as a Variant of Uncertain Significance.

Mayo Clinic Laboratories, Mayo Clinic
Classification: Uncertain significance. Last evaluated: 2023-07-25. Review status: criteria provided, single submitter. Criteria: ACMG Guidelines, 2015. Collection method: clinical testing. Allele origin: germline. Observed: 1 variant allele.
Comment: PM2_moderate

NM_004360.5(CDH1):c.862G>A (p.Asp288Asn)

Gene: CDH1 (cadherin 1; plus strand). Cytogenetic location: 16q22.1.
Variant type: single nucleotide variant.
Coding change: c.862G>A on transcript NM_004360.5 (MANE Select); coding-DNA position 862, G replaced by A.
Protein change: p.Asp288Asn; replaces aspartic acid 288 with asparagine.
Molecular consequence: missense variant. On other transcripts: 5 prime UTR variant (2).
Genome position (GRCh38, 1-based): chr16:68,811,713, G>A. VCF-style: chr16-68811713-G-A. GRCh37 (hg19) VCF-style: chr16-68845616-G-A.
Other names: p.Asp288Asn; c.862G>A, p.Asp288Asn (NM_001317184.2); c.-754G>A (NM_001317185.2); c.-958G>A (NM_001317186.2); short protein forms D288N.
Identifiers: ClinVar variation 3380399 (VCV003380399.3).
Genomic context (GRCh38, chr16:68,811,713, plus strand): 5'-TCTAAACCTTCATCTCCTTGAACTCTTCCAGGAACCTCTGTGATGGAGGTCACAGCCACA[G>A]ACGCGGACGATGATGTGAACACCTACAATGCCGCCATCGCTTACACCATCCTCAGCCAAG-3'
Protein context (NP_004351.1, residues 278-298): GTSVMEVTAT[Asp288Asn]ADDDVNTYNA